The following is an entry in ClinVar:

ClinVar aggregate classification (germline): Uncertain significance. Review status: criteria provided, multiple submitters, no conflicts (2 of 4 stars). 3 submissions from 3 submitters: Uncertain significance (3). Last evaluated 2025-08-18.

Conditions:
Multiple congenital anomalies-hypotonia-seizures syndrome 1 (MCAHS1). Also called: GLYCOSYLPHOSPHATIDYLINOSITOL BIOSYNTHESIS DEFECT 3; PIGN-CDG; Congenital disorder of glycosylation due to PIGN deficiency. Identifiers: Orphanet 280633, MedGen C3279775, MONDO:0013563, OMIM 614080.

Allele frequency attached by ClinVar (database versions not stated): gnomAD 0.00001; TOPMed 0.00001; gnomAD exomes 0.00002.
gnomAD v4.1: 15 of 1,611,970 alleles (0.00093%); highest among the groups gnomAD compares: South Asian, 0.0033%; no homozygotes.

Submissions (3):

Labcorp Genetics (formerly Invitae), Labcorp
Classification: Uncertain significance for Multiple congenital anomalies-hypotonia-seizures syndrome 1. Last evaluated: 2025-08-18. Review status: criteria provided, single submitter. Criteria: Invitae Variant Classification Sherloc (09022015). Collection method: clinical testing. Allele origin: germline.
Comment: This sequence change replaces arginine, which is basic and polar, with cysteine, which is neutral and slightly polar, at codon 89 of the PIGN protein (p.Arg89Cys). This variant is present in population databases (rs201242848, gnomAD 0.01%). This variant has not been reported in the literature in individuals affected with PIGN-related conditions. ClinVar contains an entry for this variant (Variation ID: 1404284). Invitae Evidence Modeling of protein sequence and biophysical properties (such as structural, functional, and spatial information, amino acid conservation, physicochemical variation, residue mobility, and thermodynamic stability) indicates that this missense variant is expected to disrupt PIGN protein function with a positive predictive value of 80%. In summary, the available evidence is currently insufficient to determine the role of this variant in disease. Therefore, it has been classified as a Variant of Uncertain Significance.

Blueprint Genetics
Classification: Uncertain significance. Last evaluated: 2024-07-16. Review status: criteria provided, single submitter. Criteria: ACMG Guidelines, 2015. Collection method: clinical testing. Allele origin: germline.

GeneDx
Classification: Uncertain significance. Last evaluated: 2023-04-17. Review status: criteria provided, single submitter. Criteria: GeneDx Variant Classification Process June 2021. Collection method: clinical testing. Allele origin: germline. Affected: yes.
Comment: Not observed at significant frequency in large population cohorts (gnomAD); In silico analysis supports that this missense variant has a deleterious effect on protein structure/function; Has not been previously published as pathogenic or benign to our knowledge

NM_176787.5(PIGN):c.265C>T (p.Arg89Cys)

Gene: PIGN (phosphatidylinositol glycan anchor biosynthesis class N; minus strand). Cytogenetic location: 18q21.33.
Variant type: single nucleotide variant.
Coding change: c.265C>T on transcript NM_176787.5 (MANE Select); coding-DNA position 265, C replaced by T.
Protein change: p.Arg89Cys; replaces arginine 89 with cysteine.
Molecular consequence: missense variant.
Genome position (GRCh38, 1-based): chr18:62,157,765, G>A on the plus strand (C>T on the coding strand, the complement: PIGN is on the minus strand). VCF-style: chr18-62157765-G-A. GRCh37 (hg19) VCF-style: chr18-59824998-G-A.
Other names: c.265C>T, p.Arg89Cys (NM_012327.6); c.265C>T (NM_176787.4); short protein forms R89C.
Identifiers: ClinVar variation 1404284 (VCV001404284.5), dbSNP rs201242848, ClinGen allele CA301694846.
Genomic context (GRCh38, chr18:62,157,765, plus strand): 5'-CATCTTCATAAAACCCAGCTATCAGAGCTACATGACCTGGCCGAGATTCTGTTGGCACAC[G>A]TGTATGAGATATGCCCCAGCTGCCTTCATGCATTATGATATTCCTAAAAGATATTAAAGA-3'
Protein context (NP_789744.1, residues 79-99): HEGSWGISHT[Arg89Cys]VPTESRPGHV